The following is an entry in ClinVar:

NM_000455.5(STK11):c.663_675del (p.Pro222fs)

Gene: STK11 (serine/threonine kinase 11; plus strand). Cytogenetic location: 19p13.3.
Variant type: Deletion.
Coding change: c.663_675del on transcript NM_000455.5 (MANE Select); coding-DNA positions 663 to 675, 13 bases deleted (GCCCGAGATTGCC).
Protein change: p.Pro222fs; shifts the reading frame from proline 222.
Molecular consequence: frameshift variant.
Genome position (GRCh38, 1-based): chr19:1,220,646-1,220,658, GCCCGAGATTGCC deleted; deleting any 13 consecutive bases within chr19:1,220,643-1,220,658 gives the same sequence; the c. name uses the placement nearest the transcript's 3' end. VCF-style (leftmost placement, unchanged base first): chr19-1220642-AGCCGCCCGAGATT-A. GRCh37 (hg19) VCF-style: chr19-1220641-AGCCGCCCGAGATT-A.
Other names: c.663_675delGCCCGAGATTGCC, p.Pro222Thrfs (NM_001407255.1); c.663_675del13 (NM_000455.4); short protein forms P222fs.
Identifiers: ClinVar variation 1754574 (VCV001754574.2), dbSNP rs2512943535, ClinGen allele CA2580096088.

ClinVar aggregate classification (germline): Pathogenic (1 of 4 stars; one submission).

Conditions:
Hereditary cancer-predisposing syndrome. Also called: Neoplastic Syndromes, Hereditary; Tumor predisposition; Hereditary Cancer Syndrome; Hereditary neoplastic syndrome. Identifiers: Orphanet 140162, MedGen C0027672, MeSH D009386, MONDO:0015356.

Submission:

Ambry Genetics
Classification: Pathogenic for Hereditary cancer-predisposing syndrome. Last evaluated: 2022-10-14. Review status: criteria provided, single submitter. Criteria: Ambry Variant Classification Scheme 2023. Collection method: clinical testing. Allele origin: germline.
Comment: The c.663_675del13 pathogenic mutation, located in coding exon 5 of the STK11 gene, results from a deletion of 13 nucleotides at nucleotide positions 663 to 675, causing a translational frameshift with a predicted alternate stop codon (p.P222Tfs*61). This variant is considered to be rare based on population cohorts in the Genome Aggregation Database (gnomAD). This alteration is expected to result in loss of function by premature protein truncation or nonsense-mediated mRNA decay. As such, this alteration is interpreted as a disease-causing mutation.